The following is an entry in ClinVar:

ClinVar aggregate classification (germline): Uncertain significance. Review status: criteria provided, multiple submitters, no conflicts (2 of 4 stars). 2 submissions from 2 submitters: Uncertain significance (2). Last evaluated 2025-12-08.

Conditions:
Inborn genetic diseases. Identifiers: MedGen C0950123, MeSH D030342.

Allele frequency attached by ClinVar (database versions not stated): ExAC 0.00002.
gnomAD v4.1: 24 of 1,613,706 alleles (0.0015%); highest among the groups gnomAD compares: Non-Finnish European, 0.002%; no homozygotes.

Submissions (2):

Ambry Genetics
Classification: Uncertain significance for Inborn genetic diseases. Last evaluated: 2025-12-08. Review status: criteria provided, single submitter. Criteria: Ambry Variant Classification Scheme 2023. Collection method: clinical testing. Allele origin: germline.

Labcorp Genetics (formerly Invitae), Labcorp
Classification: Uncertain significance. Last evaluated: 2022-05-07. Review status: criteria provided, single submitter. Criteria: Invitae Variant Classification Sherloc (09022015). Collection method: clinical testing. Allele origin: germline.
Comment: This sequence change replaces glutamine, which is neutral and polar, with leucine, which is neutral and non-polar, at codon 227 of the DNAH9 protein (p.Gln227Leu). This variant is present in population databases (rs779273973, gnomAD 0.004%). This variant has not been reported in the literature in individuals affected with DNAH9-related conditions. Algorithms developed to predict the effect of missense changes on protein structure and function (SIFT, PolyPhen-2, Align-GVGD) all suggest that this variant is likely to be tolerated. In summary, the available evidence is currently insufficient to determine the role of this variant in disease. Therefore, it has been classified as a Variant of Uncertain Significance.

NM_001372.4(DNAH9):c.680A>T (p.Gln227Leu)

Gene: DNAH9 (dynein axonemal heavy chain 9; plus strand). Cytogenetic location: 17p12.
Variant type: single nucleotide variant.
Coding change: c.680A>T on transcript NM_001372.4 (MANE Select); coding-DNA position 680, A replaced by T.
Protein change: p.Gln227Leu; replaces glutamine 227 with leucine.
Molecular consequence: missense variant.
Genome position (GRCh38, 1-based): chr17:11,610,461, A>T. VCF-style: chr17-11610461-A-T. GRCh37 (hg19) VCF-style: chr17-11513778-A-T.
Other names: c.680A>T (NM_001372.3); short protein forms Q227L.
Identifiers: ClinVar variation 1910153 (VCV001910153.4), dbSNP rs779273973, ClinGen allele CA8394622.